The following is an entry in ClinVar:

ClinVar aggregate classification (germline): Uncertain significance (1 of 4 stars; one submission).

Conditions:
Tuberous sclerosis 1 (TSC1). Identifiers: Orphanet 805, MedGen C1854465, MONDO:0008612, OMIM 191100.

Submission:

Labcorp Genetics (formerly Invitae), Labcorp
Classification: Uncertain significance for Tuberous sclerosis 1. Last evaluated: 2025-02-09. Review status: criteria provided, single submitter. Criteria: Invitae Variant Classification Sherloc (09022015). Collection method: clinical testing. Allele origin: germline.
Comment: This sequence change replaces aspartic acid, which is acidic and polar, with glutamic acid, which is acidic and polar, at codon 1124 of the TSC1 protein (p.Asp1124Glu). This variant is not present in population databases (gnomAD no frequency). This variant has not been reported in the literature in individuals affected with TSC1-related conditions. Invitae Evidence Modeling of protein sequence and biophysical properties (such as structural, functional, and spatial information, amino acid conservation, physicochemical variation, residue mobility, and thermodynamic stability) indicates that this missense variant is not expected to disrupt TSC1 protein function with a negative predictive value of 95%. In summary, the available evidence is currently insufficient to determine the role of this variant in disease. Therefore, it has been classified as a Variant of Uncertain Significance.

NM_000368.5(TSC1):c.3372C>A (p.Asp1124Glu)

Gene: TSC1 (TSC complex subunit 1; minus strand). Cytogenetic location: 9q34.13.
Variant type: single nucleotide variant.
Coding change: c.3372C>A on transcript NM_000368.5 (MANE Select); coding-DNA position 3372, C replaced by A.
Protein change: p.Asp1124Glu; replaces aspartic acid 1124 with glutamic acid.
Molecular consequence: missense variant. On other transcripts: non-coding transcript variant (5).
Genome position (GRCh38, 1-based): chr9:132,896,358, G>T on the plus strand (C>A on the coding strand, the complement: TSC1 is on the minus strand). VCF-style: chr9-132896358-G-T. GRCh37 (hg19) VCF-style: chr9-135771745-G-T.
Other names: c.3369C>A, p.Asp1123Glu (NM_001162426.2, NM_001406597.1, NM_001406598.1 and 2 more transcripts); c.3219C>A, p.Asp1073Glu (NM_001162427.2, NM_001406610.1); c.3009C>A, p.Asp1003Glu (NM_001362177.2, NM_001406614.1, NM_001406615.1 and 4 more transcripts); c.3372C>A, p.Asp1124Glu (NM_001406592.1, NM_001406593.1, NM_001406594.1 and 2 more transcripts); c.3357C>A, p.Asp1119Glu (NM_001406601.1, NM_001406602.1); c.3354C>A, p.Asp1118Glu (NM_001406603.1, NM_001406604.1); c.3330C>A, p.Asp1110Glu (NM_001406605.1, NM_001406606.1, NM_001406607.1); c.3327C>A, p.Asp1109Glu (NM_001406608.1, NM_001406609.1); and 8 more; short protein forms D1058E, D1119E, D1124E, D988E, D1110E, D1118E, D806E, D989E.
Identifiers: ClinVar variation 4709614 (VCV004709614.1).
Genomic context (GRCh38, chr9:132,896,358, plus strand): 5'-GGTCGGGGGAGACGGGTGAGGGCCATCTAGGTTCAGGGGAATCTTGGCTTCCACACCCAA[G>T]TCTTTGCCCAGTTCTGTCTTTAGGCTCTCAGAAAGGCTACTGGTCATGCCGTCCTCATCA-3'
Protein context (NP_000359.1, residues 1114-1134): SESLKTELGK[Asp1124Glu]LGVEAKIPLN